The following is an entry in ClinVar:

ClinVar aggregate classification (germline): Uncertain significance (1 of 4 stars; one submission).

Submission:

Women's Health and Genetics/Laboratory Corporation of America, LabCorp
Classification: Uncertain significance. Last evaluated: 2017-08-09. Review status: criteria provided, single submitter. Criteria: LabCorp Variant Classification Summary - May 2015. Collection method: clinical testing. Allele origin: germline.
Comment: Variant summary: The RAD51C c.487A>T (p.Ser163Cys) variant causes a missense change involving the alteration of a conserved nucleotide located in the DNA recombination and repair protein Rad51-like, C-terminal (IPR013632) and the P-loop containing nucleoside triphosphate hydrolase (IPR027417) domains (InterPro). 4/4 in silico tools predict a damaging outcome for this variant (SNPsandGO not captured due to low reliability index). This variant was not found in the large control database ExAC in 121408 control chromosomes. The variant of interest has not, to our knowledge, been reported in affected individuals via publications and/or reputable databases/clinical diagnostic laboratories; nor evaluated for functional impact by in vivo/vitro studies. Because of the absence of clinical information and the lack of functional studies, the variant is classified as a variant of uncertain significance (VUS).

NM_058216.3(RAD51C):c.487A>T (p.Ser163Cys)

Gene: RAD51C (RAD51 paralog C; plus strand). Cytogenetic location: 17q22.
Variant type: single nucleotide variant.
Coding change: c.487A>T on transcript NM_058216.3 (MANE Select); coding-DNA position 487, A replaced by T.
Protein change: p.Ser163Cys; replaces serine 163 with cysteine.
Molecular consequence: missense variant.
Genome position (GRCh38, 1-based): chr17:58,696,775, A>T. VCF-style: chr17-58696775-A-T. GRCh37 (hg19) VCF-style: chr17-56774136-A-T.
Other names: c.487A>T (LRG_314t1); short protein forms S163C.
Identifiers: ClinVar variation 496505 (VCV000496505.1), dbSNP rs776904180, ClinGen allele CA400344782.